The following is an entry in ClinVar:

NM_024339.5(THOC6):c.739C>T (p.Arg247Ter)

Gene: THOC6 (THO complex subunit 6; plus strand). Cytogenetic location: 16p13.3.
Variant type: single nucleotide variant.
Coding change: c.739C>T on transcript NM_024339.5 (MANE Select); coding-DNA position 739, C replaced by T.
Protein change: p.Arg247Ter; replaces arginine 247 with a stop codon.
Molecular consequence: nonsense.
Genome position (GRCh38, 1-based): chr16:3,027,209, C>T. VCF-style: chr16-3027209-C-T. GRCh37 (hg19) VCF-style: chr16-3077210-C-T.
Other names: p.Arg247Ter; c.739C>T, p.Arg247Ter (NM_001142350.3, NM_001347704.2); c.667C>T, p.Arg223Ter (NM_001347703.2); short protein forms R247*, R223*.
Identifiers: ClinVar variation 870678 (VCV000870678.41), dbSNP rs752674270, ClinGen allele CA7855149.

ClinVar aggregate classification (germline): Pathogenic/Likely pathogenic. Review status: criteria provided, multiple submitters, no conflicts (2 of 4 stars). 3 submissions from 3 submitters: Pathogenic (1); Likely pathogenic (2). Last evaluated 2026-04-09.

Conditions:
THOC6-related developmental delay-microcephaly-facial dysmorphism syndrome. Also called: Microcephaly, mental retardation, and distinctive facies, with cardiac and genitourinary malformations; Beaulieu-Boycott-Innes syndrome; THOC6 Intellectual Disability Syndrome. Identifiers: Orphanet 363444, MedGen C3150939, MONDO:0013362, OMIM 613680.

Allele frequency attached by ClinVar (database versions not stated): gnomAD exomes below 0.00001; ExAC 0.00001.

Submissions (3):

Foundation for Research in Genetics and Endocrinology, FRIGE's Institute of Human Genetics
Classification: Likely pathogenic for THOC6-related developmental delay-microcephaly-facial dysmorphism syndrome. Last evaluated: 2026-04-09. Review status: criteria provided, single submitter. Criteria: ACMG Guidelines, 2015. Collection method: clinical testing. Allele origin: germline. Inheritance: Autosomal recessive inheritance. Affected: yes. Observed: 1 variant allele, 1 homozygote.
Comment: A homozygous nonsense variant in exon 11 of the THOC6 gene that results in a stop codon and premature truncation of the protein at codon 247 (p.Arg247Ter) was detected. The p.Arg247Ter variant has not been reported in the 1000 genomes, gnomAD (v3.1) and topmed databases and has a minor allele frequency of 0.00040% in the gnomAD (v2.1) databases respectively. The reference codon is conserved across species. In summary, the variant meets our criteria to be classified as likely pathogenic.

3billion
Classification: Pathogenic for THOC6-related developmental delay-microcephaly-facial dysmorphism syndrome. Last evaluated: 2025-06-10. Review status: criteria provided, single submitter. Criteria: ACMG Guidelines, 2015. Collection method: clinical testing. Allele origin: germline. Affected: yes.
Comment: The variant is observed at an extremely low frequency in the gnomAD v4.1.0 dataset (total allele frequency: <0.001%). Predicted Consequence/Location: Stop-gained (nonsense): predicted to result in a loss or disruption of normal protein function through nonsense-mediated decay (NMD) or protein truncation. Multiple pathogenic variants are reported downstream of the variant. The variant has been reported to be associated with THOC6-related disorder (ClinVar ID: VCV000870678). Therefore, this variant is classified as Pathogenic according to the recommendation of ACMG/AMP guideline.

CeGaT Center for Human Genetics Tuebingen
Classification: Likely pathogenic. Last evaluated: 2019-09-01. Review status: criteria provided, single submitter. Criteria: CeGaT Center For Human Genetics Tuebingen Variant Classification Criteria Version 2. Collection method: clinical testing. Allele origin: germline. Affected: yes. Observed: 1 variant allele.